The following is an entry in ClinVar:

ClinVar aggregate classification (germline): Uncertain significance (1 of 4 stars; one submission).

Submission:

Labcorp Genetics (formerly Invitae), Labcorp
Classification: Uncertain significance. Last evaluated: 2022-11-15. Review status: criteria provided, single submitter. Criteria: Invitae Variant Classification Sherloc (09022015). Collection method: clinical testing. Allele origin: germline.
Comment: This sequence change replaces arginine, which is basic and polar, with leucine, which is neutral and non-polar, at codon 3759 of the PCLO protein (p.Arg3759Leu). This variant is not present in population databases (gnomAD no frequency). This variant has not been reported in the literature in individuals affected with PCLO-related conditions. ClinVar contains an entry for this variant (Variation ID: 1370782). Algorithms developed to predict the effect of missense changes on protein structure and function are either unavailable or do not agree on the potential impact of this missense change (SIFT: "Deleterious"; PolyPhen-2: "Not Available"; Align-GVGD: "Class C0"). In summary, the available evidence is currently insufficient to determine the role of this variant in disease. Therefore, it has been classified as a Variant of Uncertain Significance.

NM_033026.6(PCLO):c.11276G>T (p.Arg3759Leu)

Gene: PCLO (piccolo presynaptic cytomatrix protein; minus strand). Cytogenetic location: 7q21.11.
Variant type: single nucleotide variant.
Coding change: c.11276G>T on transcript NM_033026.6 (MANE Select); coding-DNA position 11276, G replaced by T.
Protein change: p.Arg3759Leu; replaces arginine 3759 with leucine.
Molecular consequence: missense variant.
Genome position (GRCh38, 1-based): chr7:82,916,710, C>A on the plus strand (G>T on the coding strand, the complement: PCLO is on the minus strand). VCF-style: chr7-82916710-C-A. GRCh37 (hg19) VCF-style: chr7-82546026-C-A.
Other names: c.11276G>T, p.Arg3759Leu (NM_014510.3); short protein forms R3759L.
Identifiers: ClinVar variation 1370782 (VCV001370782.6), dbSNP rs777335223, ClinGen allele CA367894360.
Genomic context (GRCh38, chr7:82,916,710, plus strand): 5'-TTTGCAGACTCCCTTTCCACAAGATCAAGCTCTCTGTCTATGTCCTGGAGAATCTTGGCT[C>A]GTGCCATTGTGTTGGTTCTGCAGATCCTTCTCCTGGAAACTGTGCCCATTGTGCTGAATG-3'
Protein context (NP_149015.2, residues 3749-3769): RRICRTNTMA[Arg3759Leu]AKILQDIDRE